The following is an entry in ClinVar:

ClinVar aggregate classification (germline): Conflicting classifications of pathogenicity. Review status: criteria provided, conflicting classifications (1 of 4 stars). 2 submissions from 2 submitters: Uncertain significance (1); Likely benign (1). Last evaluated 2022-11-15.

Conditions:
Peroxisome biogenesis disorder, complementation group 7 (CG7). Also called: Peroxisome biogenesis disorder, complementation group B. Identifiers: MedGen C1864399.

gnomAD v4.1: 1 of 1,429,666 alleles (0.00007%); highest among the groups gnomAD compares: Non-Finnish European, 0.000091%; no homozygotes.

Submissions (2):

Blueprint Genetics
Classification: Likely benign. Last evaluated: 2022-11-15. Review status: criteria provided, single submitter. Criteria: ACMG Guidelines, 2015. Collection method: clinical testing. Allele origin: germline.

Labcorp Genetics (formerly Invitae), Labcorp
Classification: Uncertain significance for Peroxisome biogenesis disorder, complementation group 7. Last evaluated: 2022-07-05. Review status: criteria provided, single submitter. Criteria: Invitae Variant Classification Sherloc (09022015). Collection method: clinical testing. Allele origin: germline.
Comment: This sequence change replaces glutamic acid, which is acidic and polar, with aspartic acid, which is acidic and polar, at codon 19 of the PEX10 protein (p.Glu19Asp). The frequency data for this variant in the population databases is considered unreliable, as metrics indicate poor data quality at this position in the gnomAD database. This variant has not been reported in the literature in individuals affected with PEX10-related conditions. Algorithms developed to predict the effect of missense changes on protein structure and function output the following: SIFT: "Tolerated"; PolyPhen-2: "Benign"; Align-GVGD: "Class C0". The aspartic acid amino acid residue is found in multiple mammalian species, which suggests that this missense change does not adversely affect protein function. In summary, the available evidence is currently insufficient to determine the role of this variant in disease. Therefore, it has been classified as a Variant of Uncertain Significance.

NM_002617.4(PEX10):c.57G>C (p.Glu19Asp)

Gene: PEX10 (peroxisomal biogenesis factor 10; minus strand). Cytogenetic location: 1p36.32.
Variant type: single nucleotide variant.
Coding change: c.57G>C on transcript NM_002617.4 (MANE Select); coding-DNA position 57, G replaced by C.
Protein change: p.Glu19Asp; replaces glutamic acid 19 with aspartic acid.
Molecular consequence: missense variant. On other transcripts: intron variant (2).
Genome position (GRCh38, 1-based): chr1:2,412,446, C>G on the plus strand (G>C on the coding strand, the complement: PEX10 is on the minus strand). VCF-style: chr1-2412446-C-G. GRCh37 (hg19) VCF-style: chr1-2343885-C-G.
Other names: c.57G>C, p.Glu19Asp (NM_001374425.1, NM_153818.2); c.-321+1151G>C (NM_001374427.1, NM_001374426.1); short protein forms E19D.
Identifiers: ClinVar variation 2151489 (VCV002151489.2), dbSNP rs912609098, ClinGen allele CA337990555.